The following is an entry in ClinVar:

ClinVar aggregate classification (germline): Uncertain significance (1 of 4 stars; one submission).

Conditions:
Inborn genetic diseases. Identifiers: MedGen C0950123, MeSH D030342.

Submission:

Ambry Genetics
Classification: Uncertain significance for Inborn genetic diseases. Last evaluated: 2026-07-14. Review status: criteria provided, single submitter. Criteria: Ambry Variant Classification Scheme 2023. Collection method: clinical testing. Allele origin: germline.
Comment: The p.K124R variant (also known as c.371A>G), located in coding exon 3 of the CEP57 gene, results from an A to G substitution at nucleotide position 371. The lysine at codon 124 is replaced by arginine, an amino acid with highly similar properties. This amino acid position is conserved. In addition, this alteration is predicted to be tolerated by in silico analysis. Based on the available evidence, the clinical significance of this variant remains unclear.

NM_014679.5(CEP57):c.371A>G (p.Lys124Arg)

Gene: CEP57 (centrosomal protein 57; plus strand). Cytogenetic location: 11q21.
Variant type: single nucleotide variant.
Coding change: c.371A>G on transcript NM_014679.5 (MANE Select); coding-DNA position 371, A replaced by G.
Protein change: p.Lys124Arg; replaces lysine 124 with arginine.
Molecular consequence: missense variant. On other transcripts: intron variant (3).
Genome position (GRCh38, 1-based): chr11:95,813,100, A>G. VCF-style: chr11-95813100-A-G. GRCh37 (hg19) VCF-style: chr11-95546264-A-G.
Other names: c.344A>G, p.Lys115Arg (NM_001243776.2); c.371A>G, p.Lys124Arg (NM_001243777.2, NM_001440871.1, NM_001440872.1 and 4 more transcripts); c.290A>G, p.Lys97Arg (NM_001440875.1, NM_001440877.1, NM_001440878.1 and 3 more transcripts); c.203-368A>G (NM_001440873.1, NM_001440881.1); c.122-368A>G (NM_001440880.1); short protein forms K115R, K124R, K97R.
Identifiers: ClinVar variation 5034372 (VCV005034372.1).